The following is an entry in ClinVar:

NM_000393.5(COL5A2):c.2261A>G (p.Asp754Gly)

Gene: COL5A2 (collagen type V alpha 2 chain; minus strand). Cytogenetic location: 2q32.2.
Variant type: single nucleotide variant.
Coding change: c.2261A>G on transcript NM_000393.5 (MANE Select); coding-DNA position 2261, A replaced by G.
Protein change: p.Asp754Gly; replaces aspartic acid 754 with glycine.
Molecular consequence: missense variant.
Genome position (GRCh38, 1-based): chr2:189,057,396, T>C on the plus strand (A>G on the coding strand, the complement: COL5A2 is on the minus strand). VCF-style: chr2-189057396-T-C. GRCh37 (hg19) VCF-style: chr2-189922122-T-C.
Other names: short protein forms D754G.
Identifiers: ClinVar variation 2715000 (VCV002715000.4), dbSNP rs755334879, ClinGen allele CA349874166.

ClinVar aggregate classification (germline): Uncertain significance. Review status: criteria provided, multiple submitters, no conflicts (2 of 4 stars). 2 submissions from 2 submitters: Uncertain significance (2). Last evaluated 2024-03-05.

Conditions:
Ehlers-Danlos syndrome, classic type, 1 (EDSCL1). Also called: EHLERS-DANLOS SYNDROME, GRAVIS TYPE; EHLERS-DANLOS SYNDROME, SEVERE CLASSIC TYPE; Ehlers-Danlos syndrome, type 1; EDS I; Ehlers-Danlos Syndrome, Classic Type, COL5A1-Related. Identifiers: MedGen C0268335, MONDO:0019567, OMIM 130000.

gnomAD v4.1: 7 of 1,613,226 alleles (0.00043%); highest among the groups gnomAD compares: Non-Finnish European, 0.00059%; no homozygotes.

Submissions (2):

Blueprint Genetics
Classification: Uncertain significance. Last evaluated: 2024-03-05. Review status: criteria provided, single submitter. Criteria: ACMG Guidelines, 2015. Collection method: clinical testing. Allele origin: germline.

Labcorp Genetics (formerly Invitae), Labcorp
Classification: Uncertain significance for Ehlers-Danlos syndrome, classic type, 1. Last evaluated: 2022-11-04. Review status: criteria provided, single submitter. Criteria: Invitae Variant Classification Sherloc (09022015). Collection method: clinical testing. Allele origin: germline.
Comment: This sequence change replaces aspartic acid, which is acidic and polar, with glycine, which is neutral and non-polar, at codon 754 of the COL5A2 protein (p.Asp754Gly). In summary, the available evidence is currently insufficient to determine the role of this variant in disease. Therefore, it has been classified as a Variant of Uncertain Significance. Advanced modeling of protein sequence and biophysical properties (such as structural, functional, and spatial information, amino acid conservation, physicochemical variation, residue mobility, and thermodynamic stability) performed at Invitae indicates that this missense variant is not expected to disrupt COL5A2 protein function. This variant has not been reported in the literature in individuals affected with COL5A2-related conditions. This variant is present in population databases (no rsID available, gnomAD 0.002%).